The following is an entry in ClinVar:

ClinVar aggregate classification (germline): Uncertain significance (1 of 4 stars; one submission).

Conditions:
Familial focal epilepsy with variable foci (FPEVF). Identifiers: Orphanet 98820, MedGen C1858477, MONDO:0020310.

gnomAD v4.1: 4 of 1,614,138 alleles (0.00025%); highest among the groups gnomAD compares: Non-Finnish European, 0.00034%; no homozygotes.

Submission:

Labcorp Genetics (formerly Invitae), Labcorp
Classification: Uncertain significance for Familial focal epilepsy with variable foci. Last evaluated: 2021-11-03. Review status: criteria provided, single submitter. Criteria: Invitae Variant Classification Sherloc (09022015). Collection method: clinical testing. Allele origin: germline.
Comment: In summary, the available evidence is currently insufficient to determine the role of this variant in disease. Therefore, it has been classified as a Variant of Uncertain Significance. Variants that disrupt the consensus splice site are a relatively common cause of aberrant splicing (PMID: 17576681, 9536098). Experimental studies and prediction algorithms are not available or were not evaluated, and the effect of this variant on mRNA splicing is currently unknown. This variant has not been reported in the literature in individuals affected with DEPDC5-related conditions. This variant is not present in population databases (gnomAD no frequency). This sequence change falls in intron 20 of the DEPDC5 gene. It does not directly change the encoded amino acid sequence of the DEPDC5 protein. It affects a nucleotide within the consensus splice site.

Literature cited by the submitters: PubMed 17576681; PubMed 9536098.

NM_001242896.3(DEPDC5):c.1445+6C>G

Gene: DEPDC5 (DEP domain containing 5, GATOR1 subcomplex subunit; plus strand). Cytogenetic location: 22q12.3.
Variant type: single nucleotide variant.
Coding change: c.1445+6C>G on transcript NM_001242896.3 (MANE Select); 6 bases into the intron after coding-DNA position 1445, C replaced by G.
Molecular consequence: intron variant.
Genome position (GRCh38, 1-based): chr22:31,810,647, C>G. VCF-style: chr22-31810647-C-G. GRCh37 (hg19) VCF-style: chr22-32206633-C-G.
Other names: c.1445+6C>G (NM_001364318.2, NM_001136029.4, NM_014662.6 and 7 more transcripts); c.1361+6C>G (NM_001369902.1, NM_001369901.1).
Identifiers: ClinVar variation 1501913 (VCV001501913.6), dbSNP rs1275802105, ClinGen allele CA2401671607.
Genomic context (GRCh38, chr22:31,810,647, plus strand): 5'-CTCAAGTGTTCAGGCTGCCCGGCCCATCCCGGGCCCAGTGCCTCACCACCTGCAGGTTTT[C>G]TGCCAGATTCACTTGGGGGTGCATATAAAAATTGTGTAGGAAAACCTGAAGTTCAGTAGT-3'